The following is an entry in ClinVar:

ClinVar aggregate classification (germline): Uncertain significance (1 of 4 stars; one submission).

Conditions:
Inborn genetic diseases. Identifiers: MedGen C0950123, MeSH D030342.

Submission:

Ambry Genetics
Classification: Uncertain significance for Inborn genetic diseases. Last evaluated: 2025-05-18. Review status: criteria provided, single submitter. Criteria: Ambry Variant Classification Scheme 2023. Collection method: clinical testing. Allele origin: germline.
Comment: The p.S1270W variant (also known as c.3809C>G), located in coding exon 38 of the FANCA gene, results from a C to G substitution at nucleotide position 3809. The serine at codon 1270 is replaced by tryptophan, an amino acid with highly dissimilar properties. This amino acid position is conserved. In addition, the in silico prediction for this alteration is inconclusive. Based on the available evidence, the clinical significance of this variant remains unclear.

NM_000135.4(FANCA):c.3809C>G (p.Ser1270Trp)

Genes: FANCA (FA complementation group A; minus strand), ZNF276 (zinc finger protein 276; plus strand). Cytogenetic location: 16q24.3.
Variant type: single nucleotide variant.
Coding change: c.3809C>G on transcript NM_000135.4 (MANE Select); coding-DNA position 3809, C replaced by G.
Protein change: p.Ser1270Trp; replaces serine 1270 with tryptophan.
Molecular consequence: missense variant. On other transcripts: 3 prime UTR variant (2), non-coding transcript variant (4).
Genome position (GRCh38, 1-based): chr16:89,740,823, G>C on the plus strand (C>G on the coding strand, the complement: FANCA is on the minus strand). VCF-style: chr16-89740823-G-C. GRCh37 (hg19) VCF-style: chr16-89807231-G-C.
Other names: c.3809C>G, p.Ser1270Trp (NM_001286167.3); c.*2577G>C (NM_001113525.2, NM_152287.4); short protein forms S1270W.
Identifiers: ClinVar variation 4022283 (VCV004022283.1).